The following is an entry in ClinVar:

ClinVar aggregate classification (germline): Benign/Likely benign. Review status: criteria provided, multiple submitters, no conflicts (2 of 4 stars). 7 submissions from 7 submitters: Benign (5); Likely benign (1). 1 of the submissions does not count toward it. Last evaluated 2026-01-24.

Conditions:
Bethlem myopathy 1A. Also called: MYOPATHY, BENIGN CONGENITAL, WITH CONTRACTURES; Bethlem myopathy 1; Bethlem Muscular Dystrophy. Identifiers: Orphanet 610, MedGen CN029274, MONDO:0024530, OMIM 158810.

Allele frequency attached by ClinVar (database versions not stated): ExAC 0.00468; 1000 Genomes Project 30x 0.01265; 1000 Genomes Project 0.01138; TOPMed 0.01215; gnomAD exomes 0.00271 and 0.00120; gnomAD 0.01066 and 0.01149; ESP Exome Variant Server 0.01042.
gnomAD v4.1: 3,444 of 1,600,688 alleles (0.22%); highest among the groups gnomAD compares: African/African-American, 3.8%; 61 homozygotes.

Submissions (7):

Labcorp Genetics (formerly Invitae), Labcorp
Classification: Benign for Bethlem myopathy 1A. Last evaluated: 2026-01-24. Review status: criteria provided, single submitter. Criteria: Invitae Variant Classification Sherloc (09022015). Collection method: clinical testing. Allele origin: germline.

Mayo Clinic Laboratories, Mayo Clinic
Classification: Benign. Last evaluated: 2022-02-25. Review status: criteria provided, single submitter. Criteria: ACMG Guidelines, 2015. Collection method: clinical testing. Allele origin: germline. Observed: 4 variant alleles.
Comment: BS1, BS2, BP4, BP7

GeneDx
Classification: Benign. Last evaluated: 2017-02-13. Review status: criteria provided, single submitter. Criteria: GeneDx Variant Classification (06012015). Collection method: clinical testing. Allele origin: germline. Affected: yes.
Comment: This variant is considered likely benign or benign based on one or more of the following criteria: it is a conservative change, it occurs at a poorly conserved position in the protein, it is predicted to be benign by multiple in silico algorithms, and/or has population frequency not consistent with disease.

Eurofins Ntd Llc (ga)
Classification: Benign. Last evaluated: 2013-12-17. Review status: criteria provided, single submitter. Criteria: EGL Classification Definitions 2015. Collection method: clinical testing. Allele origin: germline. Observed: 1 variant allele, 1 heterozygote.

Breakthrough Genomics
Classification: Likely benign. Review status: criteria provided, single submitter. Criteria: ACMG Guidelines, 2015. Collection method: not provided. Allele origin: germline. Inheritance: Autosomal recessive inheritance. Affected: yes.

PreventionGenetics, part of Exact Sciences
Classification: Benign. Review status: criteria provided, single submitter. Criteria: ACMG Guidelines, 2015. Collection method: clinical testing. Allele origin: germline.

Genetic Services Laboratory, University of Chicago
Classification: Likely benign for AllHighlyPenetrant. Review status: no assertion criteria provided. Collection method: clinical testing. Allele origin: germline. Not counted in ClinVar's aggregate classification.
Comment: Likely benign based on allele frequency in 1000 Genomes Project or ESP global frequency and its presence in a patient with a rare or unrelated disease phenotype. NOT Sanger confirmed.

NM_001849.4(COL6A2):c.2592G>A (p.Thr864=)

Gene: COL6A2 (collagen type VI alpha 2 chain; plus strand). Cytogenetic location: 21q22.3.
Variant type: single nucleotide variant.
Coding change: c.2592G>A on transcript NM_001849.4 (MANE Select); coding-DNA position 2592, G replaced by A.
Protein change: p.Thr864=; no amino-acid change (threonine 864 retained).
Molecular consequence: synonymous variant.
Genome position (GRCh38, 1-based): chr21:46,132,084, G>A. VCF-style: chr21-46132084-G-A. GRCh37 (hg19) VCF-style: chr21-47551998-G-A.
Other names: p.Thr864=.
Identifiers: ClinVar variation 128814 (VCV000128814.26), dbSNP rs1042930, ClinGen allele CA152459.
Genomic context (GRCh38, chr21:46,132,084, plus strand): 5'-GGGTGAGCAGAACTTCCACAAGGCCCGGCGCTTCGTGGAGCAGGTGGCGCGGCGGCTGAC[G>A]CTGGCCCGGAGGGACGACGACCCTCTCAACGCACGCGTGGCGCTGCTGCAGTTTGGTGGC-3'
Protein context (NP_001840.3, residues 854-874): RFVEQVARRL[Thr864=]LARRDDDPLN